The following is an entry in ClinVar:

NM_201384.3(PLEC):c.6385G>A (p.Ala2129Thr)

Gene: PLEC (plectin; minus strand). Cytogenetic location: 8q24.3.
Variant type: single nucleotide variant.
Coding change: c.6385G>A on transcript NM_201384.3 (MANE Select); coding-DNA position 6385, G replaced by A.
Protein change: p.Ala2129Thr; replaces alanine 2129 with threonine.
Molecular consequence: missense variant.
Genome position (GRCh38, 1-based): chr8:143,923,544, C>T on the plus strand (G>A on the coding strand, the complement: PLEC is on the minus strand). VCF-style: chr8-143923544-C-T. GRCh37 (hg19) VCF-style: chr8-144997712-C-T.
Other names: c.6466G>A, p.Ala2156Thr (NM_000445.5); c.6343G>A, p.Ala2115Thr (NM_201378.4); c.6319G>A, p.Ala2107Thr (NM_201379.3); c.6796G>A, p.Ala2266Thr (NM_201380.4); c.6289G>A, p.Ala2097Thr (NM_201381.3); c.6385G>A, p.Ala2129Thr (NM_201382.4); c.6397G>A, p.Ala2133Thr (NM_201383.3); short protein forms A2115T, A2097T, A2107T, A2266T, A2129T, A2133T, A2156T.
Identifiers: ClinVar variation 579245 (VCV000579245.6), dbSNP rs782449012, ClinGen allele CA372534922.

ClinVar aggregate classification (germline): Uncertain significance (1 of 4 stars; one submission).

Conditions:
Epidermolysis bullosa simplex 5C, with pyloric atresia (EBS5C). Also called: PLEC1-Related Epidermolysis Bullosa with Pyloric Atresia; PLEC-Related Epidermolysis Bullosa with Pyloric Atresia; Epidermolysis bullosa simplex with pyloric atresia. Identifiers: Orphanet 158684, MedGen C2677349, MONDO:0012807, OMIM 612138.
Epidermolysis bullosa simplex with nail dystrophy (EBS5D). Identifiers: MedGen C4225309, MONDO:0014661, OMIM 616487.
Autosomal recessive limb-girdle muscular dystrophy type 2Q (LGMDR17). Also called: MUSCULAR DYSTROPHY, LIMB-GIRDLE, AUTOSOMAL RECESSIVE 17. Identifiers: Orphanet 254361, MedGen C3150989, MONDO:0013390, OMIM 613723.
Epidermolysis bullosa simplex 5B, with muscular dystrophy (EBS5B). Also called: Epidermolysis bullosa simplex with muscular dystrophy; EPIDERMOLYSIS BULLOSA SIMPLEX AND LIMB-GIRDLE MUSCULAR DYSTROPHY. Identifiers: Orphanet 257, MedGen C2931072, MONDO:0009181, OMIM 226670.
Epidermolysis bullosa simplex, Ogna type (EBS5A). Also called: Pidermolysis bullosa simplex 5A, Ogna type; EPIDERMOLYSIS BULLOSA SIMPLEX 5A, OGNA TYPE. Identifiers: Orphanet 79401, MedGen C0432317, MONDO:0007555, OMIM 131950.

Submission:

Labcorp Genetics (formerly Invitae), Labcorp
Classification: Uncertain significance for Autosomal recessive limb-girdle muscular dystrophy type 2Q; Epidermolysis bullosa simplex, Ogna type; Epidermolysis bullosa simplex with nail dystrophy; Epidermolysis bullosa simplex 5C, with pyloric atresia; Epidermolysis bullosa simplex 5B, with muscular dystrophy. Last evaluated: 2018-06-21. Review status: criteria provided, single submitter. Criteria: Invitae Variant Classification Sherloc (09022015). Collection method: clinical testing. Allele origin: germline.
Comment: Algorithms developed to predict the effect of missense changes on protein structure and function are either unavailable or do not agree on the potential impact of this missense change (SIFT: "Deleterious"; PolyPhen-2: "Benign"; Align-GVGD: "Class C0"). In summary, the available evidence is currently insufficient to determine the role of this variant in disease. Therefore, it has been classified as a Variant of Uncertain Significance. This variant has not been reported in the literature in individuals with PLEC-related disease. This variant is not present in population databases (ExAC no frequency). This sequence change replaces alanine with threonine at codon 2156 of the PLEC protein (p.Ala2156Thr). The alanine residue is highly conserved and there is a small physicochemical difference between alanine and threonine.